The following is an entry in ClinVar:

ClinVar aggregate classification (germline): Likely pathogenic (1 of 4 stars; one submission).

Conditions:
Autosomal recessive limb-girdle muscular dystrophy type 2J (LGMDR10). Also called: MUSCULAR DYSTROPHY, LIMB-GIRDLE, AUTOSOMAL RECESSIVE 10; Limb-girdle muscular dystrophy, type 2J. Identifiers: Orphanet 140922, MedGen C1837342, MONDO:0012127, OMIM 608807.
Dilated cardiomyopathy 1G (CMD1G). Identifiers: Orphanet 154, MedGen C1858763, MONDO:0011400, OMIM 604145.

Submission:

Labcorp Genetics (formerly Invitae), Labcorp
Classification: Likely pathogenic for Dilated cardiomyopathy 1G; Autosomal recessive limb-girdle muscular dystrophy type 2J. Last evaluated: 2025-03-31. Review status: criteria provided, single submitter. Criteria: Invitae Variant Classification Sherloc (09022015). Collection method: clinical testing. Allele origin: germline.
Comment: This sequence change creates a premature translational stop signal (p.Thr29949Serfs*11) in the TTN gene. While this is not anticipated to result in nonsense mediated decay, it is expected to create a truncated TTN protein. This variant is not present in population databases (gnomAD no frequency). This variant has not been reported in the literature in individuals affected with TTN-related conditions. This variant is located in the A band of TTN (PMID: 25589632). Truncating variants in this region are significantly overrepresented in patients affected with dilated cardiomyopathy (PMID: 25589632). Truncating variants in this region have also been reported in individuals affected with autosomal recessive centronuclear myopathy (PMID: 23975875). In summary, the currently available evidence indicates that the variant is pathogenic, but additional data are needed to prove that conclusively. Therefore, this variant has been classified as Likely Pathogenic.

Literature cited by the submitters: PubMed 25589632; PubMed 23975875.

NM_001267550.2(TTN):c.89846_89847del (p.Thr29949fs)

Genes: TTN (titin; minus strand), TTN-AS1 (TTN antisense RNA 1; plus strand). Cytogenetic location: 2q31.2.
Variant type: Microsatellite.
Coding change: c.89846_89847del on transcript NM_001267550.2 (MANE Select); coding-DNA positions 89846 to 89847, 2 bases deleted (CA; older notation c.89846_89847delCA).
Protein change: p.Thr29949fs; shifts the reading frame from threonine 29949.
Molecular consequence: frameshift variant.
Genome position (GRCh38, 1-based): chr2:178,553,053-178,553,054, TG deleted on the plus strand (CA on the coding strand, the reverse complement: TTN is on the minus strand); deleting any 2 consecutive bases within chr2:178,553,053-178,553,056 gives the same sequence; the c. name uses the placement nearest the transcript's 3' end. VCF-style (leftmost placement, unchanged base first): chr2-178553052-CTG-C. GRCh37 (hg19) VCF-style: chr2-179417779-CTG-C.
Other names: c.84923_84924del, p.Thr28308fs (NM_001256850.1); c.62651_62652del, p.Thr20884fs (NM_003319.4); c.82142_82143del, p.Thr27381fs (NM_133378.4); c.63026_63027del, p.Thr21009fs (NM_133432.3); c.63227_63228del, p.Thr21076fs (NM_133437.4); short protein forms T29949fs, T21009fs, T21076fs, T27381fs, T28308fs, T20884fs.
Identifiers: ClinVar variation 4794141 (VCV004794141.1).